The following is an entry in ClinVar:

ClinVar aggregate classification (germline): Uncertain significance (1 of 4 stars; one submission).

Allele frequency attached by ClinVar (database versions not stated): gnomAD 0.00003 and 0.00004.
gnomAD v4.1: 7 of 1,551,578 alleles (0.00045%); highest among the groups gnomAD compares: African/African-American, 0.0068%; no homozygotes.

Submission:

Labcorp Genetics (formerly Invitae), Labcorp
Classification: Uncertain significance. Last evaluated: 2021-04-06. Review status: criteria provided, single submitter. Criteria: Invitae Variant Classification Sherloc (09022015). Collection method: clinical testing. Allele origin: germline.
Comment: In summary, the available evidence is currently insufficient to determine the role of this variant in disease. Therefore, it has been classified as a Variant of Uncertain Significance. Algorithms developed to predict the effect of missense changes on protein structure and function output the following: SIFT: "Not Available"; PolyPhen-2: "Benign"; Align-GVGD: "Not Available". The isoleucine amino acid residue is found in multiple mammalian species, suggesting that this missense change does not adversely affect protein function. These predictions have not been confirmed by published functional studies and their clinical significance is uncertain. This variant has not been reported in the literature in individuals with LIPT2-related conditions. This variant is not present in population databases (ExAC no frequency). This sequence change replaces valine with isoleucine at codon 203 of the LIPT2 protein (p.Val203Ile). The valine residue is highly conserved and there is a small physicochemical difference between valine and isoleucine.

NM_001144869.3(LIPT2):c.607G>A (p.Val203Ile)

Gene: LIPT2 (lipoyl(octanoyl) transferase 2; minus strand). Cytogenetic location: 11q13.4.
Variant type: single nucleotide variant.
Coding change: c.607G>A on transcript NM_001144869.3 (MANE Select); coding-DNA position 607, G replaced by A.
Protein change: p.Val203Ile; replaces valine 203 with isoleucine.
Molecular consequence: missense variant. On other transcripts: 3 prime UTR variant (2).
Genome position (GRCh38, 1-based): chr11:74,492,224, C>T on the plus strand (G>A on the coding strand, the complement: LIPT2 is on the minus strand). VCF-style: chr11-74492224-C-T. GRCh37 (hg19) VCF-style: chr11-74203269-C-T.
Other names: c.*21G>A (NM_001329941.2, NM_001329942.2); short protein forms V203I.
Identifiers: ClinVar variation 1447366 (VCV001447366.6), dbSNP rs1420082518, ClinGen allele CA381976018.